The following is an entry in ClinVar:

NM_181705.4(LYRM7):c.181G>A (p.Asp61Asn)

Gene: LYRM7 (LYR motif containing 7; plus strand). Cytogenetic location: 5q23.3.
Variant type: single nucleotide variant.
Coding change: c.181G>A on transcript NM_181705.4 (MANE Select); coding-DNA position 181, G replaced by A.
Protein change: p.Asp61Asn; replaces aspartic acid 61 with asparagine.
Molecular consequence: missense variant. On other transcripts: intron variant (1).
Genome position (GRCh38, 1-based): chr5:131,187,046, G>A. VCF-style: chr5-131187046-G-A. GRCh37 (hg19) VCF-style: chr5-130522739-G-A.
Other names: c.181G>A (NM_181705.2); c.162+4747G>A (NM_001293735.2); short protein forms D61N.
Identifiers: ClinVar variation 1911695 (VCV001911695.6), dbSNP rs780426663, ClinGen allele CA3398777.

ClinVar aggregate classification (germline): Uncertain significance. Review status: criteria provided, multiple submitters, no conflicts (2 of 4 stars). 2 submissions from 2 submitters: Uncertain significance (2). Last evaluated 2024-11-09.

Conditions:
Inborn genetic diseases. Identifiers: MedGen C0950123, MeSH D030342.

Allele frequency attached by ClinVar (database versions not stated): TOPMed below 0.00001; gnomAD exomes 0.00001; ExAC 0.00004.
gnomAD v4.1: 3 of 1,553,622 alleles (0.00019%); highest among the groups gnomAD compares: Admixed American, 0.0055%; no homozygotes.

Submissions (2):

Ambry Genetics
Classification: Uncertain significance for Inborn genetic diseases. Last evaluated: 2024-11-09. Review status: criteria provided, single submitter. Criteria: Ambry Variant Classification Scheme 2023. Collection method: clinical testing. Allele origin: germline.

Labcorp Genetics (formerly Invitae), Labcorp
Classification: Uncertain significance. Last evaluated: 2022-11-28. Review status: criteria provided, single submitter. Criteria: Invitae Variant Classification Sherloc (09022015). Collection method: clinical testing. Allele origin: germline.
Comment: Algorithms developed to predict the effect of sequence changes on RNA splicing suggest that this variant may disrupt the consensus splice site. In summary, the available evidence is currently insufficient to determine the role of this variant in disease. Therefore, it has been classified as a Variant of Uncertain Significance. Algorithms developed to predict the effect of missense changes on protein structure and function are either unavailable or do not agree on the potential impact of this missense change (SIFT: "Tolerated"; PolyPhen-2: "Probably Damaging"; Align-GVGD: "Class C0"). This variant has not been reported in the literature in individuals affected with LYRM7-related conditions. The frequency data for this variant in the population databases is considered unreliable, as metrics indicate poor data quality at this position in the gnomAD database. This sequence change replaces aspartic acid, which is acidic and polar, with asparagine, which is neutral and polar, at codon 61 of the LYRM7 protein (p.Asp61Asn).